The following is an entry in ClinVar:

ClinVar aggregate classification (germline): Likely benign. Review status: criteria provided, multiple submitters, no conflicts (2 of 4 stars). 6 submissions from 6 submitters: Likely benign (5). 1 of the submissions does not count toward it. Last evaluated 2025-12-26.

Conditions:
Endometrial carcinoma. Also called: Endometrial carcinoma, somatic. Identifiers: MedGen C0476089, MONDO:0002447, OMIM 608089, HP:0012114.
Hereditary diffuse gastric adenocarcinoma (HDGC). Also called: DIFFUSE GASTRIC AND LOBULAR BREAST CANCER SYNDROME. Identifiers: Orphanet 26106, MedGen C1708349, MONDO:0007648, OMIM 137215.
Familial cancer of breast. Also called: Hereditary breast cancer; BREAST CANCER, FAMILIAL; hereditary breast carcinoma. Identifiers: Orphanet 227535, MedGen C0346153, MONDO:0016419, OMIM 114480. Disease mechanism: loss of function.
Ovarian cancer. Also called: OVARIAN CANCER, SOMATIC. Identifiers: Orphanet 213500, MedGen C1140680, MONDO:0008170, OMIM 167000.
Blepharocheilodontic syndrome 1 (BCDS1). Identifiers: Orphanet 1997, MedGen C4551988, MONDO:0054740, OMIM 119580.
Hereditary cancer-predisposing syndrome. Also called: Hereditary neoplastic syndrome; Tumor predisposition; Neoplastic Syndromes, Hereditary; Hereditary Cancer Syndrome. Identifiers: Orphanet 140162, MedGen C0027672, MeSH D009386, MONDO:0015356.

Allele frequency attached by ClinVar (database versions not stated): TOPMed 0.00001; gnomAD 0.00002 and 0.00003; ExAC 0.00008; ESP Exome Variant Server 0.00008; gnomAD exomes 0.00008; 1000 Genomes Project 30x 0.00016; 1000 Genomes Project 0.00020.
gnomAD v4.1: 57 of 1,614,122 alleles (0.0035%); highest among the groups gnomAD compares: East Asian, 0.053%; no homozygotes.

Submissions (6):

Labcorp Genetics (formerly Invitae), Labcorp
Classification: Likely benign for Hereditary diffuse gastric adenocarcinoma. Last evaluated: 2025-12-26. Review status: criteria provided, single submitter. Criteria: Invitae Variant Classification Sherloc (09022015). Collection method: clinical testing. Allele origin: germline.

Department of Pathology and Laboratory Medicine, Sinai Health System
Classification: Likely benign for Familial cancer of breast; Blepharocheilodontic syndrome 1; Hereditary diffuse gastric adenocarcinoma; Ovarian cancer; Endometrial carcinoma. Last evaluated: 2024-12-20. Review status: criteria provided, single submitter. Criteria: ACMG Guidelines, 2015. Collection method: clinical testing. Allele origin: germline.

Myriad Genetics, Inc.
Classification: Likely benign for Hereditary diffuse gastric adenocarcinoma. Last evaluated: 2023-03-03. Review status: criteria provided, single submitter. Criteria: Myriad Autosomal Dominant, Autosomal Recessive and X-Linked Classification Criteria (2023). Collection method: clinical testing. Allele origin: unknown.
Comment: This variant is considered likely benign. This variant is intronic and is not expected to impact mRNA splicing.

GeneDx
Classification: Likely benign. Last evaluated: 2016-11-21. Review status: criteria provided, single submitter. Criteria: GeneDx Variant Classification (06012015). Collection method: clinical testing. Allele origin: germline. Affected: yes.
Comment: This variant is considered likely benign or benign based on one or more of the following criteria: it is a conservative change, it occurs at a poorly conserved position in the protein, it is predicted to be benign by multiple in silico algorithms, and/or has population frequency not consistent with disease.

Color Diagnostics, LLC DBA Color Health
Classification: Likely benign for Hereditary cancer-predisposing syndrome. Last evaluated: 2016-04-27. Review status: criteria provided, single submitter. Criteria: ACMG Guidelines, 2015. Collection method: clinical testing. Allele origin: germline.

Counsyl
Classification: Likely benign for Hereditary diffuse gastric adenocarcinoma. Last evaluated: 2018-05-30. Review status: no assertion criteria provided. Collection method: clinical testing. Allele origin: unknown. Not counted in ClinVar's aggregate classification.

Literature cited by the submitters: PubMed 29295527 (cited by Counsyl).

NM_004360.5(CDH1):c.688-14C>T

Gene: CDH1 (cadherin 1; plus strand). Cytogenetic location: 16q22.1.
Variant type: single nucleotide variant.
Coding change: c.688-14C>T on transcript NM_004360.5 (MANE Select); 14 bases into the intron before coding-DNA position 688, C replaced by T.
Molecular consequence: intron variant.
Genome position (GRCh38, 1-based): chr16:68,810,183, C>T. VCF-style: chr16-68810183-C-T. GRCh37 (hg19) VCF-style: chr16-68844086-C-T.
Other names: c.688-14C>T (LRG_301t1, NM_001317184.2); c.-928-14C>T (NM_001317185.2); c.-1132-14C>T (NM_001317186.2).
Identifiers: ClinVar variation 379539 (VCV000379539.13), dbSNP rs189969617, ClinGen allele CA8129921.